The following is an entry in ClinVar:

NM_004035.7(ACOX1):c.*4296C>A

Gene: ACOX1 (acyl-CoA oxidase 1; minus strand). Cytogenetic location: 17q25.1.
Variant type: single nucleotide variant.
Coding change: c.*4296C>A on transcript NM_004035.7 (MANE Select); 4296 bases downstream of the stop codon, C replaced by A.
Molecular consequence: 3 prime UTR variant.
Genome position (GRCh38, 1-based): chr17:75,942,452, G>T on the plus strand (C>A on the coding strand, the complement: ACOX1 is on the minus strand). VCF-style: chr17-75942452-G-T. GRCh37 (hg19) VCF-style: chr17-73938533-G-T.
Other names: c.*4296C>A (NM_001185039.2, NM_007292.6).
Identifiers: ClinVar variation 325313 (VCV000325313.5), dbSNP rs79900384, ClinGen allele CA10650207.
Genomic context (GRCh38, chr17:75,942,452, plus strand): 5'-TGCACTCTACCCTGGGTGAAAGAGCAAGACAACGTCTCAAAAAAAAAAAAAAAAAAAAAA[G>T]CAAAACCCCACCATCAATATTTTAAAATAAAAAGTCGTTTTAGTCAATTACAGTGTGACT-3'

ClinVar aggregate classification (germline): Benign (1 of 4 stars; one submission).

Conditions:
Acyl-CoA oxidase deficiency. Also called: STRAIGHT-CHAIN ACYL-CoA OXIDASE DEFICIENCY; Pseudoneonatal adrenoleukodystrophy; Peroxisomal acyl-CoA oxidase deficiency. Identifiers: Orphanet 2971, MedGen C1849678, MONDO:0009919, OMIM 264470. Disease mechanism: loss of function.

Allele frequency attached by ClinVar (database versions not stated): TOPMed 0.02763; 1000 Genomes Project 0.02955; gnomAD 0.03058 and 0.03254; 1000 Genomes Project 30x 0.03248.

Submission:

Illumina Laboratory Services, Illumina
Classification: Benign for Acyl-CoA oxidase deficiency. Last evaluated: 2018-01-13. Review status: criteria provided, single submitter. Criteria: ICSL Variant Classification Criteria 13 December 2019. Collection method: clinical testing. Allele origin: germline.
Comment: This variant was observed in the ICSL laboratory as part of a predisposition screen in an ostensibly healthy population. It had not been previously curated by ICSL or reported in the Human Gene Mutation Database (HGMD: prior to June 1st, 2018), and was therefore a candidate for classification through an automated scoring system. Utilizing variant allele frequency, disease prevalence and penetrance estimates, and inheritance mode, an automated score was calculated to assess if this variant is too frequent to cause the disease. Based on the score and internal cut-off values, a variant classified as benign is not then subjected to further curation. The score for this variant resulted in a classification of benign for this disease.